The following is an entry in ClinVar:

NM_003128.3(SPTBN1):c.4800C>T (p.Asp1600=)

Gene: SPTBN1 (spectrin beta, non-erythrocytic 1; plus strand). Cytogenetic location: 2p16.2.
Variant type: single nucleotide variant.
Coding change: c.4800C>T on transcript NM_003128.3 (MANE Select); coding-DNA position 4800, C replaced by T.
Protein change: p.Asp1600=; no amino-acid change (aspartic acid 1600 retained).
Molecular consequence: synonymous variant.
Genome position (GRCh38, 1-based): chr2:54,646,409, C>T. VCF-style: chr2-54646409-C-T. GRCh37 (hg19) VCF-style: chr2-54873546-C-T.
Other names: c.4761C>T, p.Asp1587= (NM_178313.3).
Identifiers: ClinVar variation 2650928 (VCV002650928.24), dbSNP rs372387702, ClinGen allele CA1661168.

ClinVar aggregate classification (germline): Likely benign (1 of 4 stars; one submission).

Allele frequency attached by ClinVar (database versions not stated): TOPMed 0.00001; ExAC 0.00002; gnomAD 0.00003; ESP Exome Variant Server 0.00008.
gnomAD v4.1: 30 of 1,601,792 alleles (0.0019%); highest among the groups gnomAD compares: Admixed American, 0.0069%; no homozygotes.

Submission:

CeGaT Center for Human Genetics Tuebingen
Classification: Likely benign. Last evaluated: 2022-05-01. Review status: criteria provided, single submitter. Criteria: CeGaT Center For Human Genetics Tuebingen Variant Classification Criteria Version 2. Collection method: clinical testing. Allele origin: germline. Affected: yes. Observed: 1 variant allele.
Comment: SPTBN1: BP4, BP7